The following is an entry in ClinVar:

NM_004984.4(KIF5A):c.73C>G (p.Leu25Val)

Gene: KIF5A (kinesin family member 5A; plus strand). Cytogenetic location: 12q13.3.
Variant type: single nucleotide variant.
Coding change: c.73C>G on transcript NM_004984.4 (MANE Select); coding-DNA position 73, C replaced by G.
Protein change: p.Leu25Val; replaces leucine 25 with valine.
Molecular consequence: missense variant.
Genome position (GRCh38, 1-based): chr12:57,550,344, C>G. VCF-style: chr12-57550344-C-G. GRCh37 (hg19) VCF-style: chr12-57944127-C-G.
Other names: c.73C>G, p.Leu25Val (NM_001354705.2); short protein forms L25V.
Identifiers: ClinVar variation 2860459 (VCV002860459.3), dbSNP rs1389822103, ClinGen allele CA385496033.
Genomic context (GRCh38, chr12:57,550,344, plus strand): 5'-AACAACGAATGTAGCATCAAGGTGCTCTGCCGATTCCGGCCCCTGAACCAGGCTGAGATT[C>G]TGCGGGGAGACAAGTTCATCCCCATTTTCCAAGGGGACGACAGCGTCGTTATTGGGGTGA-3'
Protein context (NP_004975.2, residues 15-35): RFRPLNQAEI[Leu25Val]RGDKFIPIFQ

ClinVar aggregate classification (germline): Uncertain significance (1 of 4 stars; one submission).

Conditions:
Spastic paraplegia. Identifiers: MedGen C0037772, HP:0001258.

Allele frequency attached by ClinVar (database versions not stated): gnomAD exomes below 0.00001.
gnomAD v4.1: 1 of 1,614,222 alleles (0.000062%); highest among the groups gnomAD compares: South Asian, 0.0011%; no homozygotes.

Submission:

Labcorp Genetics (formerly Invitae), Labcorp
Classification: Uncertain significance for Spastic paraplegia. Last evaluated: 2023-04-28. Review status: criteria provided, single submitter. Criteria: Invitae Variant Classification Sherloc (09022015). Collection method: clinical testing. Allele origin: germline.
Comment: In summary, the available evidence is currently insufficient to determine the role of this variant in disease. Therefore, it has been classified as a Variant of Uncertain Significance. Advanced modeling of protein sequence and biophysical properties (such as structural, functional, and spatial information, amino acid conservation, physicochemical variation, residue mobility, and thermodynamic stability) performed at Invitae indicates that this missense variant is not expected to disrupt KIF5A protein function. This variant has not been reported in the literature in individuals affected with KIF5A-related conditions. This variant is not present in population databases (gnomAD no frequency). This sequence change replaces leucine, which is neutral and non-polar, with valine, which is neutral and non-polar, at codon 25 of the KIF5A protein (p.Leu25Val).